The following is an entry in ClinVar:

NM_001134407.3(GRIN2A):c.4006C>T (p.Leu1336Phe)

Gene: GRIN2A (glutamate ionotropic receptor NMDA type subunit 2A; minus strand). Cytogenetic location: 16p13.2.
Variant type: single nucleotide variant.
Coding change: c.4006C>T on transcript NM_001134407.3 (MANE Select); coding-DNA position 4006, C replaced by T.
Protein change: p.Leu1336Phe; replaces leucine 1336 with phenylalanine.
Molecular consequence: missense variant. On other transcripts: intron variant (1).
Genome position (GRCh38, 1-based): chr16:9,763,538, G>A on the plus strand (C>T on the coding strand, the complement: GRIN2A is on the minus strand). VCF-style: chr16-9763538-G-A. GRCh37 (hg19) VCF-style: chr16-9857395-G-A.
Other names: c.4006C>T, p.Leu1336Phe (NM_000833.5); c.3773-110C>T (NM_001134408.2); short protein forms L1336F.
Identifiers: ClinVar variation 1878668 (VCV001878668.6), dbSNP rs1900693709, ClinGen allele CA394706371.

ClinVar aggregate classification (germline): Conflicting classifications of pathogenicity. Review status: criteria provided, conflicting classifications (1 of 4 stars). 2 submissions from 2 submitters: Uncertain significance (1); Likely benign (1). Last evaluated 2023-11-27.

Conditions:
Landau-Kleffner syndrome (FESD). Also called: EPILEPSY, FOCAL, WITH SPEECH DISORDER AND WITH OR WITHOUT MENTAL RETARDATION; APHASIA, ACQUIRED, WITH EPILEPSY. Identifiers: Orphanet 1945, Orphanet 725, Orphanet 98818, MedGen C0282512, MONDO:0009509, OMIM 245570.

Allele frequency attached by ClinVar (database versions not stated): TOPMed 0.00001.
gnomAD v4.1: 2 of 1,614,022 alleles (0.00012%); highest among the groups gnomAD compares: South Asian, 0.0022%; no homozygotes.

Submissions (2):

Labcorp Genetics (formerly Invitae), Labcorp
Classification: Likely benign for Landau-Kleffner syndrome. Last evaluated: 2023-11-27. Review status: criteria provided, single submitter. Criteria: Invitae Variant Classification Sherloc (09022015). Collection method: clinical testing. Allele origin: germline.

Neuberg Centre For Genomic Medicine, NCGM
Classification: Uncertain significance for Landau-Kleffner syndrome. Review status: criteria provided, single submitter. Criteria: ACMG Guidelines, 2015. Collection method: clinical testing. Allele origin: germline. Affected: yes.
Comment: The missense variant p.L1336F in GRIN2A (NM_000833.5) has not been reported previously as a pathogenic variant nor as a benign variant, to our knowledge. The p.L1336F variant is novel (not in any individuals) in gnomAD Exomes and is novel (not in any individuals) in 1000 Genomes. There is a small physicochemical difference between leucine and phenylalanine, which is not likely to impact secondary protein structure as these residues share similar properties. In silico tools are contradictory and the residue is poorly conserved across species. For these reasons, this variant has been classified as Uncertain Significance.